The following is an entry in ClinVar:

NM_198252.3(GSN):c.601_602insT (p.Arg201fs)

Gene: GSN (gelsolin; plus strand). Cytogenetic location: 9q33.2.
Variant type: Insertion.
Coding change: c.601_602insT on transcript NM_198252.3 (MANE Select); coding-DNA positions 601 to 602, T inserted.
Protein change: p.Arg201fs; shifts the reading frame from arginine 201.
Molecular consequence: frameshift variant. On other transcripts: 5 prime UTR variant (1).
Genome position: GRCh38 VCF-style: chr9-121312426-C-CT. GRCh37 (hg19) VCF-style: chr9-124074704-C-CT.
Other names: c.754_755insT, p.Arg252fs (NM_000177.5); c.601_602insT, p.Arg201fs (NM_001127662.2, NM_001127664.2, NM_001127665.2 and 10 more transcripts); c.709_710insT, p.Arg237fs (NM_001127663.2); c.634_635insT, p.Arg212fs (NM_001127666.2, NM_001127667.2, NM_001353063.2 and 13 more transcripts); c.652_653insT, p.Arg218fs (NM_001258029.2); c.625_626insT, p.Arg209fs (NM_001258030.2); c.673_674insT, p.Arg225fs (NM_001353076.2); c.-54_-53insT (NM_001353078.2); short protein forms R201fs, R252fs, R212fs, R218fs, R225fs, R209fs, R237fs.
Identifiers: ClinVar variation 1486694 (VCV001486694.9), dbSNP rs1277006645, ClinGen allele CA590502693.
Genomic context (GRCh38, chr9:121,312,426, plus strand): 5'-AGCAATCGGTATGAAAGACTGAAGGCCACACAGGTGTCCAAGGGCATCCGGGACAACGAG[C>CT]GGAGTGGCCGGGCCCGAGTGCACGTGTCTGAGGAGGGCACTGAGCCCGAGGCGATGCTCC-3'

ClinVar aggregate classification (germline): Uncertain significance. Review status: criteria provided, multiple submitters, no conflicts (2 of 4 stars). 3 submissions from 3 submitters: Uncertain significance (3). Last evaluated 2024-11-18.

Conditions:
Inborn genetic diseases. Identifiers: MedGen C0950123, MeSH D030342.

Allele frequency attached by ClinVar (database versions not stated): TOPMed below 0.00001; gnomAD 0.00001; gnomAD exomes 0.00001.

Submissions (3):

Labcorp Genetics (formerly Invitae), Labcorp
Classification: Uncertain significance. Last evaluated: 2024-11-18. Review status: criteria provided, single submitter. Criteria: Invitae Variant Classification Sherloc (09022015). Collection method: clinical testing. Allele origin: germline.
Comment: This sequence change creates a premature translational stop signal (p.Arg252Leufs*11) in the GSN gene. It is expected to result in an absent or disrupted protein product. However, the current clinical and genetic evidence is not sufficient to establish whether loss-of-function variants in GSN cause disease. This variant is present in population databases (no rsID available, gnomAD 0.002%). This variant has not been reported in the literature in individuals affected with GSN-related conditions. ClinVar contains an entry for this variant (Variation ID: 1486694). In summary, the available evidence is currently insufficient to determine the role of this variant in disease. Therefore, it has been classified as a Variant of Uncertain Significance.

Women's Health and Genetics/Laboratory Corporation of America, LabCorp
Classification: Uncertain significance. Last evaluated: 2023-08-30. Review status: criteria provided, single submitter. Criteria: LabCorp Variant Classification Summary - May 2015. Collection method: clinical testing. Allele origin: germline.
Comment: Variant summary: GSN c.754_755insT (p.Arg252LeufsX11) results in a premature termination codon, predicted to cause a truncation of the encoded protein or absence of the protein due to nonsense mediated decay, however the molecular mechanism of disease attributed to GSN is gain-of-function. The variant allele was found at a frequency of 8e-06 in 251266 control chromosomes (i.e., 2 heterozygotes; gnomAD v2.1 Exomes dataset). The available data on variant occurrences in the general population are insufficient to allow any conclusion about variant significance. To our knowledge, no occurrence of c.754_755insT in individuals affected with Meretoja Syndrome and no experimental evidence demonstrating its impact on protein function have been reported. Two submitters have reported clinical-significance assessments for this variant to ClinVar after 2014. All submitters classified the variant as uncertain significance. Based on the evidence outlined above, the variant was classified as uncertain significance.

Ambry Genetics
Classification: Uncertain significance for Inborn genetic diseases. Last evaluated: 2020-07-21. Review status: criteria provided, single submitter. Criteria: Ambry Variant Classification Scheme 2023. Collection method: clinical testing. Allele origin: germline.
Comment: The c.754_755insT variant, located in coding exon 5 of the GSN gene, results from an insertion of one nucleotide at position 754, causing a translational frameshift with a predicted alternate stop codon (p.R252Lfs*11). This alteration is expected to result in premature protein truncation or nonsense-mediated mRNA decay. However, loss of function of GSN has not been clearly established as a mechanism of disease. Since supporting evidence is limited at this time, the clinical significance of this alteration remains unclear.